The following is an entry in ClinVar:

NM_024642.5(GALNT12):c.1640G>C (p.Cys547Ser)

Gene: GALNT12 (polypeptide N-acetylgalactosaminyltransferase 12; plus strand). Cytogenetic location: 9q22.33.
Variant type: single nucleotide variant.
Coding change: c.1640G>C on transcript NM_024642.5 (MANE Select); coding-DNA position 1640, G replaced by C.
Protein change: p.Cys547Ser; replaces cysteine 547 with serine.
Molecular consequence: missense variant.
Genome position (GRCh38, 1-based): chr9:98,848,986, G>C. VCF-style: chr9-98848986-G-C. GRCh37 (hg19) VCF-style: chr9-101611268-G-C.
Other names: short protein forms C547S.
Identifiers: ClinVar variation 819727 (VCV000819727.14), dbSNP rs368008649, ClinGen allele CA5154334.

ClinVar aggregate classification (germline): Uncertain significance. Review status: criteria provided, multiple submitters, no conflicts (2 of 4 stars). 3 submissions from 3 submitters: Uncertain significance (3). Last evaluated 2025-08-29.

Conditions:
Colorectal cancer, susceptibility to, 1. Also called: COLORECTAL ADENOMA AND CANCER, SUSCEPTIBILITY TO; COLORECTAL CANCER, SUSCEPTIBILITY TO, ON CHROMOSOME 9. Identifiers: MedGen C1837315, MONDO:0012132, OMIM 608812.

Allele frequency attached by ClinVar (database versions not stated): gnomAD exomes below 0.00001 and 0.00001; gnomAD 0.00001; TOPMed 0.00001; ExAC 0.00002; ESP Exome Variant Server 0.00008.
gnomAD v4.1: 20 of 1,614,114 alleles (0.0012%); highest among the groups gnomAD compares: East Asian, 0.0022%; no homozygotes.

Submissions (3):

Ambry Genetics
Classification: Uncertain significance. Last evaluated: 2025-08-29. Review status: criteria provided, single submitter. Criteria: Ambry Variant Classification Scheme 2023. Collection method: clinical testing. Allele origin: germline.
Comment: The p.C547S variant (also known as c.1640G>C), located in coding exon 10 of the GALNT12 gene, results from a G to C substitution at nucleotide position 1640. The cysteine at codon 547 is replaced by serine, an amino acid with dissimilar properties. This amino acid position is highly conserved in available vertebrate species. In addition, this alteration is predicted to be deleterious by in silico analysis. Since supporting evidence is limited at this time, the clinical significance of this alteration remains unclear.

Labcorp Genetics (formerly Invitae), Labcorp
Classification: Uncertain significance. Last evaluated: 2024-06-18. Review status: criteria provided, single submitter. Criteria: Invitae Variant Classification Sherloc (09022015). Collection method: clinical testing. Allele origin: germline.
Comment: This sequence change replaces cysteine, which is neutral and slightly polar, with serine, which is neutral and polar, at codon 547 of the GALNT12 protein (p.Cys547Ser). This variant is present in population databases (rs368008649, gnomAD 0.002%). This variant has not been reported in the literature in individuals affected with GALNT12-related conditions. ClinVar contains an entry for this variant (Variation ID: 819727). Advanced modeling of protein sequence and biophysical properties (such as structural, functional, and spatial information, amino acid conservation, physicochemical variation, residue mobility, and thermodynamic stability) performed at Invitae indicates that this missense variant is expected to disrupt GALNT12 protein function with a positive predictive value of 80%. In summary, the available evidence is currently insufficient to determine the role of this variant in disease. Therefore, it has been classified as a Variant of Uncertain Significance.

Baylor Genetics
Classification: Uncertain significance for Colorectal cancer, susceptibility to, 1. Last evaluated: 2024-02-24. Review status: criteria provided, single submitter. Criteria: ACMG Guidelines, 2015. Collection method: clinical testing. Allele origin: unknown.